The following is an entry in ClinVar:

NM_000138.5(FBN1):c.4165T>C (p.Cys1389Arg)

Gene: FBN1 (fibrillin 1; minus strand). Cytogenetic location: 15q21.1.
Variant type: single nucleotide variant.
Coding change: c.4165T>C on transcript NM_000138.5 (MANE Select); coding-DNA position 4165, T replaced by C.
Protein change: p.Cys1389Arg; replaces cysteine 1389 with arginine.
Molecular consequence: missense variant.
Genome position (GRCh38, 1-based): chr15:48,474,300, A>G on the plus strand (T>C on the coding strand, the complement: FBN1 is on the minus strand). VCF-style: chr15-48474300-A-G. GRCh37 (hg19) VCF-style: chr15-48766497-A-G.
Other names: c.4165T>C, p.Cys1389Arg (NM_001406716.1); short protein forms C1389R.
Identifiers: ClinVar variation 3759285 (VCV003759285.2).

ClinVar aggregate classification (germline): Pathogenic (1 of 4 stars; one submission).

Conditions:
Marfan syndrome (MFS). Also called: MARFAN SYNDROME, TYPE I; Marfan syndrome type 1; Marfan's syndrome; Marfan syndrome, classic; FBN1-Related Marfan Syndrome. Identifiers: Orphanet 284963, Orphanet 558, MedGen C0024796, MONDO:0007947, OMIM 154700.
Familial thoracic aortic aneurysm and aortic dissection (TAAD). Also called: Thoracic aortic aneurysms and dissections. Identifiers: Orphanet 91387, MedGen C4707243, MONDO:0019625.

Submission:

Labcorp Genetics (formerly Invitae), Labcorp
Classification: Pathogenic for Marfan syndrome; Familial thoracic aortic aneurysm and aortic dissection. Last evaluated: 2024-02-07. Review status: criteria provided, single submitter. Criteria: Invitae Variant Classification Sherloc (09022015). Collection method: clinical testing. Allele origin: germline.
Comment: This sequence change replaces cysteine, which is neutral and slightly polar, with arginine, which is basic and polar, at codon 1389 of the FBN1 protein (p.Cys1389Arg). This variant is not present in population databases (gnomAD no frequency). This missense change has been observed in individual(s) with Marfan syndrome (PMID: 14695540). Advanced modeling of protein sequence and biophysical properties (such as structural, functional, and spatial information, amino acid conservation, physicochemical variation, residue mobility, and thermodynamic stability) performed at Invitae indicates that this missense variant is expected to disrupt FBN1 protein function with a positive predictive value of 95%. This variant disrupts the p.Cys1389 amino acid residue in FBN1. Other variant(s) that disrupt this residue have been observed in individuals with FBN1-related conditions (PMID: 14695540, 28550590, 28973303), which suggests that this may be a clinically significant amino acid residue. For these reasons, this variant has been classified as Pathogenic.

Literature cited by the submitters: PubMed 14695540; PubMed 28550590; PubMed 28973303.